The following is an entry in ClinVar:

ClinVar aggregate classification (germline): Conflicting classifications of pathogenicity. Review status: criteria provided, conflicting classifications (1 of 4 stars). 6 submissions from 6 submitters: Uncertain significance (4); Likely benign (1). 1 of the submissions does not count toward it. Last evaluated 2025-09-10.

Conditions:
Hereditary cancer-predisposing syndrome. Also called: Tumor predisposition; Hereditary neoplastic syndrome; Neoplastic Syndromes, Hereditary; Hereditary Cancer Syndrome. Identifiers: Orphanet 140162, MedGen C0027672, MeSH D009386, MONDO:0015356.
Intellectual disability, autosomal dominant 16 (CSS4). Also called: COFFIN-SIRIS SYNDROME 4. Identifiers: Orphanet 1465, MedGen C3553249, MONDO:0013821, OMIM 614609.
Rhabdoid tumor predisposition syndrome 2 (RTPS2). Identifiers: Orphanet 231108, Orphanet 69077, MedGen C2750074, MONDO:0013224, OMIM 613325.

Allele frequency attached by ClinVar (database versions not stated): gnomAD exomes 0.00001; gnomAD 0.00001.
gnomAD v4.1: 16 of 1,612,396 alleles (0.00099%); highest among the groups gnomAD compares: Admixed American, 0.005%; no homozygotes.

Submissions (6):

Labcorp Genetics (formerly Invitae), Labcorp
Classification: Uncertain significance for Rhabdoid tumor predisposition syndrome 2. Last evaluated: 2025-09-10. Review status: criteria provided, single submitter. Criteria: Invitae Variant Classification Sherloc (09022015). Collection method: clinical testing. Allele origin: germline.
Comment: This sequence change replaces arginine, which is basic and polar, with cysteine, which is neutral and slightly polar, at codon 1463 of the SMARCA4 protein (p.Arg1463Cys). This variant is present in population databases (rs587778681, gnomAD 0.009%). This variant has not been reported in the literature in individuals affected with SMARCA4-related conditions. ClinVar contains an entry for this variant (Variation ID: 135248). An algorithm developed to predict the effect of missense changes on protein structure and function (PolyPhen-2) suggests that this variant is likely to be disruptive. In summary, the available evidence is currently insufficient to determine the role of this variant in disease. Therefore, it has been classified as a Variant of Uncertain Significance.

GeneDx
Classification: Uncertain significance. Last evaluated: 2024-01-03. Review status: criteria provided, single submitter. Criteria: GeneDx Variant Classification Process June 2021. Collection method: clinical testing. Allele origin: germline. Affected: yes.
Comment: In silico analysis supports that this missense variant does not alter protein structure/function; Has not been previously published as pathogenic or benign to our knowledge; This variant is associated with the following publications: (PMID: 24728327)

Baylor Genetics
Classification: Uncertain significance for Rhabdoid tumor predisposition syndrome 2. Last evaluated: 2023-11-14. Review status: criteria provided, single submitter. Criteria: ACMG Guidelines, 2015. Collection method: clinical testing. Allele origin: unknown.

Ambry Genetics
Classification: Likely benign for Hereditary cancer-predisposing syndrome. Last evaluated: 2022-06-06. Review status: criteria provided, single submitter. Criteria: Ambry Variant Classification Scheme 2023. Collection method: clinical testing. Allele origin: germline.

Genome-Nilou Lab
Classification: Uncertain significance for Intellectual disability, autosomal dominant 16. Last evaluated: 2021-07-15. Review status: criteria provided, single submitter. Criteria: ACMG Guidelines, 2015. Collection method: clinical testing. Allele origin: germline. Affected: no.

ITMI
No classification provided. Condition: AllHighlyPenetrant. Last evaluated: 2013-09-19. Review status: no classification provided. Collection method: reference population. Allele origin: germline. Not counted in ClinVar's aggregate classification.
Comment: Please see associated publication for description of ethnicities

Literature cited by the submitters: PubMed 24728327 (cited by Ambry Genetics and ITMI).

NM_003072.5(SMARCA4):c.4291C>T (p.Arg1431Cys)

Gene: SMARCA4 (SWI/SNF related BAF chromatin remodeling complex subunit ATPase 4; plus strand). Cytogenetic location: 19p13.2.
Variant type: single nucleotide variant.
Coding change: c.4291C>T on transcript NM_003072.5 (MANE Select); coding-DNA position 4291, C replaced by T.
Protein change: p.Arg1431Cys; replaces arginine 1431 with cysteine.
Molecular consequence: missense variant. On other transcripts: non-coding transcript variant (1).
Genome position (GRCh38, 1-based): chr19:11,041,427, C>T. VCF-style: chr19-11041427-C-T. GRCh37 (hg19) VCF-style: chr19-11152103-C-T.
Other names: c.4201C>T, p.Arg1401Cys (NM_001128845.2, NM_001128846.2); c.4291C>T, p.Arg1431Cys (NM_001128844.3); c.4192C>T, p.Arg1398Cys (NM_001128847.4, NM_001128848.2, NM_001374457.1); c.4387C>T, p.Arg1463Cys (NM_001128849.3, NM_001387283.1); short protein forms R1431C, R1463C, R1398C, R1401C.
Identifiers: ClinVar variation 135248 (VCV000135248.20), dbSNP rs587778681, ClinGen allele CA162141.
Genomic context (GRCh38, chr19:11,041,427, plus strand): 5'-CGGAAGCGCAAGCGAGACAGCGACGCCGGCTCCTCCACCCCGACCACCAGCACCCGCAGC[C>T]GCGACAAGGACGACGAGAGCAAGAAGCAGAAGAAGCGCGGGCGGCCGCCTGCCGAGAAAC-3'
Protein context (NP_003063.2, residues 1421-1441): SSTPTTSTRS[Arg1431Cys]DKDDESKKQK